The following is an entry in ClinVar:

ClinVar aggregate classification (germline): Conflicting classifications of pathogenicity. Review status: criteria provided, conflicting classifications (1 of 4 stars). 4 submissions from 4 submitters: Uncertain significance (3); Likely benign (1). Last evaluated 2024-12-16.

Conditions:
Hereditary cancer-predisposing syndrome. Also called: Neoplastic Syndromes, Hereditary; Tumor predisposition; Hereditary neoplastic syndrome; Hereditary Cancer Syndrome. Identifiers: Orphanet 140162, MedGen C0027672, MeSH D009386, MONDO:0015356.
Familial cancer of breast. Also called: BREAST CANCER, FAMILIAL; Hereditary breast cancer; hereditary breast carcinoma. Identifiers: Orphanet 227535, MedGen C0346153, MONDO:0016419, OMIM 114480. Disease mechanism: loss of function.

Submissions (4):

Labcorp Genetics (formerly Invitae), Labcorp
Classification: Uncertain significance for Familial cancer of breast. Last evaluated: 2024-12-16. Review status: criteria provided, single submitter. Criteria: Invitae Variant Classification Sherloc (09022015). Collection method: clinical testing. Allele origin: germline.
Comment: This sequence change replaces serine, which is neutral and polar, with proline, which is neutral and non-polar, at codon 97 of the PALB2 protein (p.Ser97Pro). This variant is not present in population databases (gnomAD no frequency). This variant has not been reported in the literature in individuals affected with PALB2-related conditions. ClinVar contains an entry for this variant (Variation ID: 630137). An algorithm developed to predict the effect of missense changes on protein structure and function outputs the following: PolyPhen-2: "Benign". The proline amino acid residue is found in multiple mammalian species, which suggests that this missense change does not adversely affect protein function. In summary, the available evidence is currently insufficient to determine the role of this variant in disease. Therefore, it has been classified as a Variant of Uncertain Significance.

Color Diagnostics, LLC DBA Color Health
Classification: Uncertain significance for Hereditary cancer-predisposing syndrome. Last evaluated: 2023-12-05. Review status: criteria provided, single submitter. Criteria: ACMG Guidelines, 2015. Collection method: clinical testing. Allele origin: germline.
Comment: This missense variant replaces serine with proline at codon 97 of the PALB2 protein. Computational prediction suggests that this variant may not impact protein structure and function (internally defined REVEL score threshold <= 0.5, PMID: 27666373). To our knowledge, functional studies have not been reported for this variant. This variant has not been reported in individuals affected with PALB2-related disorders in the literature. This variant has not been identified in the general population by the Genome Aggregation Database (gnomAD). The available evidence is insufficient to determine the role of this variant in disease conclusively. Therefore, this variant is classified as a Variant of Uncertain Significance.

Ambry Genetics
Classification: Likely benign for Hereditary cancer-predisposing syndrome. Last evaluated: 2023-11-25. Review status: criteria provided, single submitter. Criteria: Ambry Variant Classification Scheme 2023. Collection method: clinical testing. Allele origin: germline.

GeneDx
Classification: Uncertain significance. Last evaluated: 2022-10-04. Review status: criteria provided, single submitter. Criteria: GeneDx Variant Classification Process June 2021. Collection method: clinical testing. Allele origin: germline. Affected: yes.
Comment: Not observed at significant frequency in large population cohorts (gnomAD); In silico analysis supports that this missense variant does not alter protein structure/function; Has not been previously published as pathogenic or benign to our knowledge; This variant is associated with the following publications: (PMID: 20871615, 19369211)

NM_024675.4(PALB2):c.289T>C (p.Ser97Pro)

Gene: PALB2 (partner and localizer of BRCA2; minus strand). Cytogenetic location: 16p12.2.
Variant type: single nucleotide variant.
Coding change: c.289T>C on transcript NM_024675.4 (MANE Select); coding-DNA position 289, T replaced by C.
Protein change: p.Ser97Pro; replaces serine 97 with proline.
Molecular consequence: missense variant.
Genome position (GRCh38, 1-based): chr16:23,636,257, A>G on the plus strand (T>C on the coding strand, the complement: PALB2 is on the minus strand). VCF-style: chr16-23636257-A-G. GRCh37 (hg19) VCF-style: chr16-23647578-A-G.
Other names: short protein forms S97P.
Identifiers: ClinVar variation 630137 (VCV000630137.15), dbSNP rs1456296764, ClinGen allele CA395138822.